The following is an entry in ClinVar:

ClinVar aggregate classification (germline): Uncertain significance (1 of 4 stars; one submission).

Submission:

Labcorp Genetics (formerly Invitae), Labcorp
Classification: Uncertain significance. Last evaluated: 2025-12-20. Review status: criteria provided, single submitter. Criteria: Invitae Variant Classification Sherloc (09022015). Collection method: clinical testing. Allele origin: germline.
Comment: This sequence change replaces lysine, which is basic and polar, with glutamine, which is neutral and polar, at codon 345 of the GNA11 protein (p.Lys345Gln). This variant is not present in population databases (gnomAD no frequency). This variant has not been reported in the literature in individuals affected with GNA11-related conditions. Invitae Evidence Modeling of protein sequence and biophysical properties (such as structural, functional, and spatial information, amino acid conservation, physicochemical variation, residue mobility, and thermodynamic stability) has been performed for this missense variant. However, the output from this modeling did not meet the statistical confidence thresholds required to predict the impact of this variant on GNA11 protein function. In summary, the available evidence is currently insufficient to determine the role of this variant in disease. Therefore, it has been classified as a Variant of Uncertain Significance.

NM_002067.5(GNA11):c.1033A>C (p.Lys345Gln)

Gene: GNA11 (G protein subunit alpha 11; plus strand). Cytogenetic location: 19p13.3.
Variant type: single nucleotide variant.
Coding change: c.1033A>C on transcript NM_002067.5 (MANE Select); coding-DNA position 1033, A replaced by C.
Protein change: p.Lys345Gln; replaces lysine 345 with glutamine.
Molecular consequence: missense variant.
Genome position (GRCh38, 1-based): chr19:3,121,132, A>C. VCF-style: chr19-3121132-A-C. GRCh37 (hg19) VCF-style: chr19-3121130-A-C.
Other names: short protein forms K345Q.
Identifiers: ClinVar variation 4746700 (VCV004746700.1).